The following is an entry in ClinVar:

NM_001135629.3(PPP1R21):c.2063del (p.Lys688fs)

Gene: PPP1R21 (protein phosphatase 1 regulatory subunit 21; plus strand). Cytogenetic location: 2p16.3.
Variant type: Deletion.
Coding change: c.2063del on transcript NM_001135629.3 (MANE Select); coding-DNA position 2063, one base deleted (A; older notation c.2063delA).
Protein change: p.Lys688fs; shifts the reading frame from lysine 688.
Molecular consequence: frameshift variant. On other transcripts: non-coding transcript variant (1).
Genome position (GRCh38, 1-based): chr2:48,507,363, A deleted; the last of 2 consecutive A bases (chr2:48,507,362-48,507,363); deleting either gives the same sequence. VCF-style (leftmost placement, unchanged base first): chr2-48507361-TA-T. GRCh37 (hg19) VCF-style: chr2-48734500-TA-T.
Other names: c.1937del, p.Lys646fs (NM_001193475.2); c.2030del, p.Lys677fs (NM_152994.5); short protein forms K646fs, K688fs, K677fs.
Identifiers: ClinVar variation 870419 (VCV000870419.4), dbSNP rs1670430380, ClinGen allele CA916082530.

ClinVar aggregate classification (germline): Pathogenic (1 of 4 stars; one submission).

Conditions:
Neurodevelopmental disorder with hypotonia, facial dysmorphism, and brain abnormalities (NEDHFBA). Also called: EL-HATTAB-SCHMIDTS SYNDROME; PPP1R21-Related El-Hattab-Schmidts Syndrome. Identifiers: MedGen C5543591, MONDO:0859165, OMIM 619383.

Submission:

Victorian Clinical Genetics Services, Murdoch Childrens Research Institute
Classification: Pathogenic for PPP1R21-related neurodevelopmental disorder. Last evaluated: 2018-09-23. Review status: criteria provided, single submitter. Criteria: ACMG Guidelines, 2015. Collection method: clinical testing. Allele origin: inherited. Affected: yes. Observed: 3 variant alleles. Clinical features observed: Central hypotonia (HP:0011398), Cerebral atrophy (HP:0002059), Hypothermia (HP:0002045), Cryptorchidism (HP:0000028).
Comment: A homozygous frameshift deletion variant, NM_001135629.2(PPP1R21):c.2063delA, has been identified in exon 19 of 22 of the PPP1R21 gene. This deletion is predicted to create a frameshift starting at amino acid position 688, introducing a stop codon 26 residues downstream, NP_001129101.1(PPP1R21):p.(Lys688Serfs*26). This variant is predicted to result in loss of protein function either through truncation (including including the 3' end of the TTKRSYEDQ coiled-coil domain) or nonsense-mediated decay. However, the possibility of an NMD-escape mechanism has not been excluded. The variant is absent in population databases (gnomAD, dbSNP, 1000G) and has not been previously reported in clinical cases. Based on the information available at the time of curation, this variant has been classified as PATHOGENIC.